The following is an entry in ClinVar:

NM_003227.4(TFR2):c.1682+1G>A

Gene: TFR2 (transferrin receptor 2; minus strand). Cytogenetic location: 7q22.1.
Variant type: single nucleotide variant.
Coding change: c.1682+1G>A on transcript NM_003227.4 (MANE Select); the canonical splice donor site of the intron after coding-DNA position 1682, G replaced by A.
Molecular consequence: splice donor variant.
Genome position (GRCh38, 1-based): chr7:100,627,743, C>T on the plus strand (G>A on the coding strand, the complement: TFR2 is on the minus strand). VCF-style: chr7-100627743-C-T. GRCh37 (hg19) VCF-style: chr7-100225366-C-T.
Other names: c.1169+1G>A (NM_001206855.3).
Identifiers: ClinVar variation 3674818 (VCV003674818.2).

ClinVar aggregate classification (germline): Likely pathogenic (1 of 4 stars; one submission).

Conditions:
Hereditary hemochromatosis (HFE). Identifiers: MedGen C0392514, MONDO:0006507. Disease mechanism: loss of function.

gnomAD v4.1: 1 of 1,613,892 alleles (0.000062%); no homozygotes.

Submission:

Labcorp Genetics (formerly Invitae), Labcorp
Classification: Likely pathogenic for Hereditary hemochromatosis. Last evaluated: 2024-02-16. Review status: criteria provided, single submitter. Criteria: Invitae Variant Classification Sherloc (09022015). Collection method: clinical testing. Allele origin: germline.
Comment: This sequence change affects a donor splice site in intron 14 of the TFR2 gene. It is expected to disrupt RNA splicing. Variants that disrupt the donor or acceptor splice site typically lead to a loss of protein function (PMID: 16199547), and loss-of-function variants in TFR2 are known to be pathogenic (PMID: 23600741, 26029709). This variant is not present in population databases (gnomAD no frequency). This variant has not been reported in the literature in individuals affected with TFR2-related conditions. Algorithms developed to predict the effect of sequence changes on RNA splicing suggest that this variant may disrupt the consensus splice site. In summary, the currently available evidence indicates that the variant is pathogenic, but additional data are needed to prove that conclusively. Therefore, this variant has been classified as Likely Pathogenic.

Literature cited by the submitters: PubMed 16199547; PubMed 23600741; PubMed 26029709.